The following is an entry in ClinVar:

NM_024757.5(EHMT1):c.3595A>G (p.Ile1199Val)

Gene: EHMT1 (euchromatic histone lysine methyltransferase 1; plus strand). Cytogenetic location: 9q34.3.
Variant type: single nucleotide variant.
Coding change: c.3595A>G on transcript NM_024757.5 (MANE Select); coding-DNA position 3595, A replaced by G.
Protein change: p.Ile1199Val; replaces isoleucine 1199 with valine.
Molecular consequence: missense variant.
Genome position (GRCh38, 1-based): chr9:137,834,403, A>G. VCF-style: chr9-137834403-A-G. GRCh37 (hg19) VCF-style: chr9-140728855-A-G.
Other names: c.3574A>G, p.Ile1192Val (NM_001354263.2); short protein forms I1192V, I1199V.
Identifiers: ClinVar variation 1510092 (VCV001510092.7), dbSNP rs2133152660, ClinGen allele CA375781428.
Genomic context (GRCh38, chr9:137,834,403, plus strand): 5'-CTGCAGGACGGGGAGGTTTACTGCATCGACGCGCGGTTCTACGGGAACGTCAGCCGGTTC[A>G]TCAACCACCACTGCGAGCCCAACCTGGTGCCCGTGCGCGTGTTCATGGCCCACCAGGACC-3'
Protein context (NP_079033.4, residues 1189-1209): ARFYGNVSRF[Ile1199Val]NHHCEPNLVP

ClinVar aggregate classification (germline): Conflicting classifications of pathogenicity. Review status: criteria provided, conflicting classifications (1 of 4 stars). 2 submissions from 2 submitters: Uncertain significance (1); Benign (1). Last evaluated 2024-05-21.

Conditions:
Kleefstra syndrome 1 (KLEFS1). Identifiers: Orphanet 261494, MedGen C0795833, MONDO:0027407, OMIM 610253.

Allele frequency attached by ClinVar (database versions not stated): gnomAD exomes below 0.00001.
gnomAD v4.1: 2 of 1,613,284 alleles (0.00012%); highest among the groups gnomAD compares: African/African-American, 0.0027%; no homozygotes.

Submissions (2):

Labcorp Genetics (formerly Invitae), Labcorp
Classification: Uncertain significance for Kleefstra syndrome 1. Last evaluated: 2024-05-21. Review status: criteria provided, single submitter. Criteria: Invitae Variant Classification Sherloc (09022015). Collection method: clinical testing. Allele origin: germline.
Comment: This sequence change replaces isoleucine, which is neutral and non-polar, with valine, which is neutral and non-polar, at codon 1199 of the EHMT1 protein (p.Ile1199Val). This variant is not present in population databases (gnomAD no frequency). This variant has not been reported in the literature in individuals affected with EHMT1-related conditions. ClinVar contains an entry for this variant (Variation ID: 1510092). Advanced modeling of protein sequence and biophysical properties (such as structural, functional, and spatial information, amino acid conservation, physicochemical variation, residue mobility, and thermodynamic stability) performed at Invitae indicates that this missense variant is not expected to disrupt EHMT1 protein function with a negative predictive value of 80%. In summary, the available evidence is currently insufficient to determine the role of this variant in disease. Therefore, it has been classified as a Variant of Uncertain Significance.

Laboratory of Genetics, Children's Clinical University Hospital Latvia
Classification: Benign for Kleefstra syndrome 1. Review status: criteria provided, single submitter. Criteria: ACMG Guidelines, 2015. Collection method: curation. Allele origin: inherited. Affected: yes.
Comment: inherited from a parent (affected or unaffected)

Literature cited by the submitters: PubMed 39013458 (cited by Laboratory of Genetics, Children's Clinical University Hospital Latvia).